The following is an entry in ClinVar:

ClinVar aggregate classification (germline): Uncertain significance. Review status: criteria provided, multiple submitters, no conflicts (2 of 4 stars). 4 submissions from 4 submitters: Uncertain significance (4). Last evaluated 2025-09-22.

Conditions:
Hereditary cancer-predisposing syndrome. Also called: Neoplastic Syndromes, Hereditary; Hereditary neoplastic syndrome; Tumor predisposition; Hereditary Cancer Syndrome. Identifiers: Orphanet 140162, MedGen C0027672, MeSH D009386, MONDO:0015356.
Hereditary pheochromocytoma and paraganglioma. Also called: Hereditary Paraganglioma-Pheochromocytoma Syndromes; Hereditary paragangliomas and pheochromocytomas; Hereditary pheochromocytoma-paraganglioma. Identifiers: Orphanet 29072, MedGen C4274332, MONDO:0017366.
Pheochromocytoma. Also called: MAX-Related Hereditary Paraganglioma-Pheochromocytoma Syndrome. Identifiers: Orphanet 29072, MedGen C0031511, MONDO:0008233, OMIM 171300, HP:0002666.

Allele frequency attached by ClinVar (database versions not stated): TOPMed 0.00001; gnomAD 0.00002.
gnomAD v4.1: 13 of 1,543,910 alleles (0.00084%); highest among the groups gnomAD compares: Non-Finnish European, 0.0011%; no homozygotes.

Submissions (4):

Labcorp Genetics (formerly Invitae), Labcorp
Classification: Uncertain significance for Hereditary pheochromocytoma and paraganglioma. Last evaluated: 2025-09-22. Review status: criteria provided, single submitter. Criteria: Invitae Variant Classification Sherloc (09022015). Collection method: clinical testing. Allele origin: germline.
Comment: This sequence change replaces proline, which is neutral and non-polar, with leucine, which is neutral and non-polar, at codon 27 of the TMEM127 protein (p.Pro27Leu). This variant is not present in population databases (gnomAD no frequency). This variant has not been reported in the literature in individuals affected with TMEM127-related conditions. ClinVar contains an entry for this variant (Variation ID: 405199). An algorithm developed to predict the effect of missense changes on protein structure and function (PolyPhen-2) suggests that this variant is likely to be tolerated. In summary, the available evidence is currently insufficient to determine the role of this variant in disease. Therefore, it has been classified as a Variant of Uncertain Significance.

Ambry Genetics
Classification: Uncertain significance for Hereditary cancer-predisposing syndrome. Last evaluated: 2024-01-03. Review status: criteria provided, single submitter. Criteria: Ambry Variant Classification Scheme 2023. Collection method: clinical testing. Allele origin: germline.
Comment: The p.P27L variant (also known as c.80C>T), located in coding exon 1 of the TMEM127 gene, results from a C to T substitution at nucleotide position 80. The proline at codon 27 is replaced by leucine, an amino acid with similar properties. This amino acid position is highly conserved in available vertebrate species. In addition, the in silico prediction for this alteration is inconclusive. Since supporting evidence is limited at this time, the clinical significance of this alteration remains unclear.

Baylor Genetics
Classification: Uncertain significance for Pheochromocytoma. Last evaluated: 2023-12-17. Review status: criteria provided, single submitter. Criteria: ACMG Guidelines, 2015. Collection method: clinical testing. Allele origin: unknown.

Quest Diagnostics Nichols Institute San Juan Capistrano
Classification: Uncertain significance. Last evaluated: 2023-09-21. Review status: criteria provided, single submitter. Criteria: Quest Diagnostics criteria. Collection method: clinical testing. Allele origin: unknown.
Comment: This variant has not been reported in individuals with TMEM127-related conditions in the published literature. The frequency of this variant in the general population, 0.0000058 (1/171010 chromosomes (Genome Aggregation Database)), is uninformative in the assessment of its pathogenicity. Analysis of this variant using bioinformatics tools for the prediction of the effect of amino acid changes on protein structure and function yielded conflicting predictions that this variant is deleterious or benign. Based on the available information, we are unable to determine the clinical significance of this variant.

NM_017849.4(TMEM127):c.80C>T (p.Pro27Leu)

Genes: TMEM127 (transmembrane protein 127; minus strand), LOC129934333 (ATAC-STARR-seq lymphoblastoid silent region 11759; plus strand). Cytogenetic location: 2q11.2.
Variant type: single nucleotide variant.
Coding change: c.80C>T on transcript NM_017849.4 (MANE Select); coding-DNA position 80, C replaced by T.
Protein change: p.Pro27Leu; replaces proline 27 with leucine.
Molecular consequence: missense variant.
Genome position (GRCh38, 1-based): chr2:96,265,302, G>A on the plus strand (C>T on the coding strand, the complement: TMEM127 is on the minus strand). VCF-style: chr2-96265302-G-A. GRCh37 (hg19) VCF-style: chr2-96931040-G-A.
Other names: c.80C>T, p.Pro27Leu (NM_001193304.3); short protein forms P27L.
Identifiers: ClinVar variation 405199 (VCV000405199.15), dbSNP rs983504110, ClinGen allele CA16611042.